The following is an entry in ClinVar:

NM_001161403.3(LIMS2):c.766G>A (p.Val256Ile)

Gene: LIMS2 (LIM zinc finger domain containing 2; minus strand). Cytogenetic location: 2q14.3.
Variant type: single nucleotide variant.
Coding change: c.766G>A on transcript NM_001161403.3 (MANE Select); coding-DNA position 766, G replaced by A.
Protein change: p.Val256Ile; replaces valine 256 with isoleucine.
Molecular consequence: missense variant.
Genome position (GRCh38, 1-based): chr2:127,640,306, C>T on the plus strand (G>A on the coding strand, the complement: LIMS2 is on the minus strand). VCF-style: chr2-127640306-C-T. GRCh37 (hg19) VCF-style: chr2-128397881-C-T.
Other names: c.832G>A, p.Val278Ile (NM_001136037.4); c.751G>A, p.Val251Ile (NM_001161404.2); c.310G>A, p.Val104Ile (NM_001256542.2); c.838G>A, p.Val280Ile (NM_017980.5); short protein forms V278I, V280I, V104I, V251I, V256I.
Identifiers: ClinVar variation 3867257 (VCV003867257.2).
Genomic context (GRCh38, chr2:127,640,306, plus strand): 5'-GGGGGAGGGAACACAGGGCCTCACCATCGCCTTCAATCACATGGCTGCAGTTGTAGCAGA[C>T]GTCCCCGAAGAGCTGTGGGCCGAGCAGGCTGTCAGAGTAGCTGCAGGCAGTCACACCCCA-3'
Protein context (NP_001154875.1, residues 246-266): ETHYNQLFGD[Val256Ile]CYNCSHVIEG

ClinVar aggregate classification (germline): Uncertain significance. Review status: criteria provided, multiple submitters, no conflicts (2 of 4 stars). 2 submissions from 2 submitters: Uncertain significance (2). Last evaluated 2025-04-03.

Conditions:
Autosomal recessive limb-girdle muscular dystrophy type 2W (MDRCMTT). Also called: Muscular dystrophy, autosomal recessive, with cardiomyopathy and triangular tongue; Muscular dystrophy, limb-girdle, type 2W. Identifiers: MedGen C4225192, MONDO:0014788, OMIM 616827.

gnomAD v4.1: 10 of 1,612,896 alleles (0.00062%); highest among the groups gnomAD compares: East Asian, 0.0045%; no homozygotes.

Submissions (2):

Labcorp Genetics (formerly Invitae), Labcorp
Classification: Uncertain significance for Autosomal recessive limb-girdle muscular dystrophy type 2W. Last evaluated: 2025-04-03. Review status: criteria provided, single submitter. Criteria: Invitae Variant Classification Sherloc (09022015). Collection method: clinical testing. Allele origin: germline.
Comment: This sequence change replaces valine, which is neutral and non-polar, with isoleucine, which is neutral and non-polar, at codon 278 of the LIMS2 protein (p.Val278Ile). This variant is not present in population databases (gnomAD no frequency). This variant has not been reported in the literature in individuals affected with LIMS2-related conditions. Invitae Evidence Modeling of protein sequence and biophysical properties (such as structural, functional, and spatial information, amino acid conservation, physicochemical variation, residue mobility, and thermodynamic stability) indicates that this missense variant is not expected to disrupt LIMS2 protein function with a negative predictive value of 80%. In summary, the available evidence is currently insufficient to determine the role of this variant in disease. Therefore, it has been classified as a Variant of Uncertain Significance.

Ambry Genetics
Classification: Uncertain significance. Last evaluated: 2025-01-15. Review status: criteria provided, single submitter. Criteria: Ambry Variant Classification Scheme 2023. Collection method: clinical testing. Allele origin: germline.